The following is an entry in ClinVar:

NM_001292063.2(OTOG):c.2624G>A (p.Gly875Asp)

Gene: OTOG (otogelin; plus strand). Cytogenetic location: 11p15.1.
Variant type: single nucleotide variant.
Coding change: c.2624G>A on transcript NM_001292063.2 (MANE Select); coding-DNA position 2624, G replaced by A.
Protein change: p.Gly875Asp; replaces glycine 875 with aspartic acid.
Molecular consequence: missense variant.
Genome position (GRCh38, 1-based): chr11:17,578,391, G>A. VCF-style: chr11-17578391-G-A. GRCh37 (hg19) VCF-style: chr11-17599938-G-A.
Other names: c.2660G>A, p.Gly887Asp (NM_001277269.2); short protein forms G875D, G887D.
Identifiers: ClinVar variation 4686806 (VCV004686806.2).

ClinVar aggregate classification (germline): Uncertain significance. Review status: criteria provided, multiple submitters, no conflicts (2 of 4 stars). 2 submissions from 2 submitters: Uncertain significance (2). Last evaluated 2025-07-19.

gnomAD v4.1: 6 of 1,528,538 alleles (0.00039%); highest among the groups gnomAD compares: South Asian, 0.0072%; no homozygotes.

Submissions (2):

GeneDx
Classification: Uncertain significance. Last evaluated: 2025-07-19. Review status: criteria provided, single submitter. Criteria: GeneDx Variant Classification Process June 2021. Collection method: clinical testing. Allele origin: germline. Affected: yes.
Comment: Not observed at significant frequency in large population cohorts (gnomAD); In silico analysis supports that this missense variant has a deleterious effect on protein structure/function; Has not been previously published as pathogenic or benign to our knowledge

Blueprint Genetics
Classification: Uncertain significance. Last evaluated: 2023-11-10. Review status: criteria provided, single submitter. Criteria: ACMG Guidelines, 2015. Collection method: clinical testing. Allele origin: germline.